The following is an entry in ClinVar:

ClinVar aggregate classification (germline): Conflicting classifications of pathogenicity. Review status: criteria provided, conflicting classifications (1 of 4 stars). 2 submissions from 2 submitters: Likely pathogenic (1); Uncertain significance (1). Last evaluated 2024-02-24.
ClinVar aggregate classification (oncogenicity): Likely oncogenic (1 of 4 stars; one submission).

Conditions:
PIK3CA-related disorder. Also called: PIK3CA-related disorders; PIK3CA- related disease; PIK3CA-related condition.
Cowden syndrome (CS). Also called: Cowden disease; Cowden's disease; Cowden's syndrome. Identifiers: Orphanet 201, MedGen C0018553, MONDO:0016063. Disease mechanism: gain of function.
Neoplasm. Also called: Neoplasms; tumor; Neoplasm (disease). Identifiers: MedGen C0027651, MeSH D009369, MONDO:0005070, HP:0002664.

Submissions (3):

Center for Genomic Medicine, Rigshospitalet, Copenhagen University Hospital
Classification: Likely oncogenic for Neoplasm. Last evaluated: 2025-03-04. Review status: criteria provided, single submitter. Criteria: ClinGen/CGC/VICC Guidelines for Oncogenicity, 2022. Collection method: clinical testing. Allele origin: somatic. Affected: yes.

Labcorp Genetics (formerly Invitae), Labcorp
Classification: Uncertain significance for Cowden syndrome. Last evaluated: 2024-02-24. Review status: criteria provided, single submitter. Criteria: Invitae Variant Classification Sherloc (09022015). Collection method: clinical testing. Allele origin: germline.
Comment: This sequence change replaces methionine, which is neutral and non-polar, with isoleucine, which is neutral and non-polar, at codon 1004 of the PIK3CA protein (p.Met1004Ile). This variant is not present in population databases (gnomAD no frequency). This missense change has been observed in individual(s) with clinical features of PIK3CA-related overgrowth (PMID: 28475857; Invitae). ClinVar contains an entry for this variant (Variation ID: 2069684). Advanced modeling of protein sequence and biophysical properties (such as structural, functional, and spatial information, amino acid conservation, physicochemical variation, residue mobility, and thermodynamic stability) has been performed at Invitae for this missense variant, however the output from this modeling did not meet the statistical confidence thresholds required to predict the impact of this variant on PIK3CA protein function. In summary, the available evidence is currently insufficient to determine the role of this variant in disease. Therefore, it has been classified as a Variant of Uncertain Significance.

Blueprint Genetics
Classification: Likely pathogenic for PIK3CA-related disorders. Last evaluated: 2019-01-31. Review status: criteria provided, single submitter. Criteria: ACMG Guidelines, 2015. Collection method: clinical testing. Allele origin: germline. Affected: yes. Observed: 1 variant allele.

Literature cited by the submitters: PubMed 29533785 (cited by Center for Genomic Medicine, Rigshospitalet, Copenhagen University Hospital); PubMed 28475857 (cited by Labcorp Genetics (formerly Invitae), Labcorp).

NM_006218.4(PIK3CA):c.3012G>T (p.Met1004Ile)

Gene: PIK3CA (phosphatidylinositol-4,5-bisphosphate 3-kinase catalytic subunit alpha; plus strand). Cytogenetic location: 3q26.32.
Variant type: single nucleotide variant.
Coding change: c.3012G>T on transcript NM_006218.4 (MANE Select); coding-DNA position 3012, G replaced by T.
Protein change: p.Met1004Ile; replaces methionine 1004 with isoleucine.
Molecular consequence: missense variant.
Genome position (GRCh38, 1-based): chr3:179,234,169, G>T. VCF-style: chr3-179234169-G-T. GRCh37 (hg19) VCF-style: chr3-178951957-G-T.
Other names: short protein forms M1004I.
Identifiers: ClinVar variation 2069684 (VCV002069684.6), dbSNP rs2108429272, ClinGen allele CA355284931.